The following is an entry in ClinVar:

NM_153026.3(PRICKLE1):c.319G>C (p.Glu107Gln)

Genes: PRICKLE1 (prickle planar cell polarity protein 1; minus strand), LOC130007700 (ATAC-STARR-seq lymphoblastoid active region 6212; plus strand). Cytogenetic location: 12q12.
Variant type: single nucleotide variant.
Coding change: c.319G>C on transcript NM_153026.3 (MANE Select); coding-DNA position 319, G replaced by C.
Protein change: p.Glu107Gln; replaces glutamic acid 107 with glutamine.
Molecular consequence: missense variant.
Genome position (GRCh38, 1-based): chr12:42,469,515, C>G on the plus strand (G>C on the coding strand, the complement: PRICKLE1 is on the minus strand). VCF-style: chr12-42469515-C-G. GRCh37 (hg19) VCF-style: chr12-42863317-C-G.
Other names: c.319G>C, p.Glu107Gln (NM_001144881.2, NM_001144882.2, NM_001144883.2); short protein forms E107Q.
Identifiers: ClinVar variation 850823 (VCV000850823.10), dbSNP rs1938232548, ClinGen allele CA384444240.

ClinVar aggregate classification (germline): Uncertain significance (1 of 4 stars; one submission).

Conditions:
Epilepsy, progressive myoclonic, 1B. Also called: PME. Identifiers: Orphanet 308, MedGen C2676254, MONDO:0012904, OMIM 612437.

Submission:

Labcorp Genetics (formerly Invitae), Labcorp
Classification: Uncertain significance for Epilepsy, progressive myoclonic, 1B. Last evaluated: 2022-03-23. Review status: criteria provided, single submitter. Criteria: Invitae Variant Classification Sherloc (09022015). Collection method: clinical testing. Allele origin: germline.
Comment: This variant is not present in population databases (gnomAD no frequency). In summary, the available evidence is currently insufficient to determine the role of this variant in disease. Therefore, it has been classified as a Variant of Uncertain Significance. Algorithms developed to predict the effect of missense changes on protein structure and function are either unavailable or do not agree on the potential impact of this missense change (SIFT: "Deleterious"; PolyPhen-2: "Benign"; Align-GVGD: "Class C25"). ClinVar contains an entry for this variant (Variation ID: 850823). This variant has not been reported in the literature in individuals affected with PRICKLE1-related conditions. This sequence change replaces glutamic acid, which is acidic and polar, with glutamine, which is neutral and polar, at codon 107 of the PRICKLE1 protein (p.Glu107Gln).